The following is an entry in ClinVar:

NM_005219.5(DIAPH1):c.3671A>G (p.Lys1224Arg)

Gene: DIAPH1 (diaphanous related formin 1; minus strand). Cytogenetic location: 5q31.3.
Variant type: single nucleotide variant.
Coding change: c.3671A>G on transcript NM_005219.5 (MANE Select); coding-DNA position 3671, A replaced by G.
Protein change: p.Lys1224Arg; replaces lysine 1224 with arginine.
Molecular consequence: missense variant.
Genome position (GRCh38, 1-based): chr5:141,516,999, T>C on the plus strand (A>G on the coding strand, the complement: DIAPH1 is on the minus strand). VCF-style: chr5-141516999-T-C. GRCh37 (hg19) VCF-style: chr5-140896566-T-C.
Other names: c.3644A>G, p.Lys1215Arg (NM_001079812.3); c.3724A>G, p.Arg1242Gly (NM_001314007.2); short protein forms K1224R, R1242G, K1215R.
Identifiers: ClinVar variation 936414 (VCV000936414.13), dbSNP rs376832359, ClinGen allele CA3478680.

ClinVar aggregate classification (germline): Uncertain significance. Review status: criteria provided, multiple submitters, no conflicts (2 of 4 stars). 4 submissions from 4 submitters: Uncertain significance (4). Last evaluated 2026-06-18.

Conditions:
DIAPH1-related disorder. Also called: DIAPH1-related condition.
Inborn genetic diseases. Identifiers: MedGen C0950123, MeSH D030342.
Autosomal dominant nonsyndromic hearing loss 1. Also called: DEAFNESS, AUTOSOMAL DOMINANT 1, WITH OR WITHOUT THROMBOCYTOPENIA; KONIGSMARK SYNDROME. Identifiers: Orphanet 90635, MedGen C1852282, MONDO:0007424, OMIM 124900.
Progressive microcephaly-seizures-cortical blindness-developmental delay syndrome. Also called: Seizures, cortical blindness, and microcephaly syndrome. Identifiers: Orphanet 477814, MedGen C5567650, MONDO:0014714, OMIM 616632.

Allele frequency attached by ClinVar (database versions not stated): gnomAD exomes 0.00001 and 0.00002; ExAC 0.00003; gnomAD 0.00004; TOPMed 0.00006; 1000 Genomes Project 30x 0.00016; ESP Exome Variant Server 0.00016; 1000 Genomes Project 0.00020.
gnomAD v4.1: 14 of 1,614,228 alleles (0.00087%); highest among the groups gnomAD compares: African/African-American, 0.013%; no homozygotes.

Submissions (4):

Women's Health and Genetics/Laboratory Corporation of America, LabCorp
Classification: Uncertain significance. Last evaluated: 2026-06-18. Review status: criteria provided, single submitter. Criteria: LabCorp Variant Classification Summary - May 2015. Collection method: clinical testing. Allele origin: germline.
Comment: Variant summary: DIAPH1 c.3671A>G (p.Lys1224Arg) results in a conservative amino acid change in the encoded protein sequence. Algorithms developed to predict the effect of missense changes on protein structure and function are either unavailable or do not agree on the potential impact of this missense change. The variant allele was found at a frequency of 2.4e-05 in 249374 control chromosomes. The available data on variant occurrences in the general population are insufficient to allow any conclusion about variant significance. To our knowledge, no occurrence of c.3671A>G in individuals affected with DIAPH1-related conditions and no experimental evidence demonstrating its impact on protein function have been reported. ClinVar contains an entry for this variant (Variation ID: 936414). Based on the evidence outlined above, the variant was classified as uncertain significance.

Labcorp Genetics (formerly Invitae), Labcorp
Classification: Uncertain significance for Progressive microcephaly-seizures-cortical blindness-developmental delay syndrome; Autosomal dominant nonsyndromic hearing loss 1. Last evaluated: 2025-10-24. Review status: criteria provided, single submitter. Criteria: Invitae Variant Classification Sherloc (09022015). Collection method: clinical testing. Allele origin: germline.
Comment: This sequence change replaces lysine, which is basic and polar, with arginine, which is basic and polar, at codon 1224 of the DIAPH1 protein (p.Lys1224Arg). This variant is present in population databases (rs376832359, gnomAD 0.03%). This variant has not been reported in the literature in individuals affected with DIAPH1-related conditions. ClinVar contains an entry for this variant (Variation ID: 936414). An algorithm developed to predict the effect of missense changes on protein structure and function outputs the following: PolyPhen-2: "Benign". The arginine amino acid residue is found in multiple mammalian species, which suggests that this missense change does not adversely affect protein function. In summary, the available evidence is currently insufficient to determine the role of this variant in disease. Therefore, it has been classified as a Variant of Uncertain Significance.

PreventionGenetics, part of Exact Sciences
Classification: Uncertain significance for DIAPH1-related condition. Last evaluated: 2025-07-02. Review status: criteria provided, single submitter. Criteria: ACMG Guidelines, 2015. Collection method: clinical testing. Allele origin: germline.
Comment: The DIAPH1 c.3671A>G variant is predicted to result in the amino acid substitution p.Lys1224Arg. To our knowledge, this variant has not been reported in the literature. This variant is reported in 0.026% of alleles in individuals of African descent in gnomAD. At this time, the clinical significance of this variant is uncertain due to the absence of conclusive functional and genetic evidence.

Ambry Genetics
Classification: Uncertain significance for Inborn genetic diseases. Last evaluated: 2025-05-28. Review status: criteria provided, single submitter. Criteria: Ambry Variant Classification Scheme 2023. Collection method: clinical testing. Allele origin: germline.